The following is an entry in ClinVar:

ClinVar aggregate classification (germline): Uncertain significance (1 of 4 stars; one submission).

Conditions:
Aldosterone-producing adenoma with seizures and neurological abnormalities. Also called: Primary aldosteronism, seizures, and neurologic abnormalities. Identifiers: Orphanet 369929, MedGen C3809609, MONDO:0014200, OMIM 615474.

gnomAD v4.1: 3 of 1,613,986 alleles (0.00019%); highest among the groups gnomAD compares: Non-Finnish European, 0.00025%; no homozygotes.

Submission:

Human Genetics Bochum, Ruhr University Bochum
Classification: Uncertain significance for Aldosterone-producing adenoma with seizures and neurological abnormalities. Last evaluated: 2024-01-24. Review status: criteria provided, single submitter. Criteria: ACMG Guidelines, 2015. Collection method: clinical testing. Allele origin: germline. Affected: yes.
Comment: ACMG criteria used to clasify this variant: PM2_SUP, PP2

NM_001128840.3(CACNA1D):c.5203T>G (p.Ser1735Ala)

Gene: CACNA1D (calcium voltage-gated channel subunit alpha1 D; plus strand). Cytogenetic location: 3p21.1.
Variant type: single nucleotide variant.
Coding change: c.5203T>G on transcript NM_001128840.3 (MANE Select); coding-DNA position 5203, T replaced by G.
Protein change: p.Ser1735Ala; replaces serine 1735 with alanine.
Molecular consequence: missense variant.
Genome position (GRCh38, 1-based): chr3:53,801,220, T>G. VCF-style: chr3-53801220-T-G. GRCh37 (hg19) VCF-style: chr3-53835247-T-G.
Other names: c.5263T>G, p.Ser1755Ala (NM_000720.4); c.5158T>G, p.Ser1720Ala (NM_001128839.3); short protein forms S1720A, S1735A, S1755A.
Identifiers: ClinVar variation 3027464 (VCV003027464.1), dbSNP rs1416266402, ClinGen allele CA353250554.
Genomic context (GRCh38, chr3:53,801,220, plus strand): 5'-AGGCCTTCAATTCCACCTGCAAGTGATACTGAGAAACCGCTGTTTCCTCCAGCAGGAAAT[T>G]CGGTGTGTCATAACCATCATAACCATAATTCCATAGGAAAGCAAGTTCCCACCTCAACAA-3'
Protein context (NP_001122312.1, residues 1725-1745): EKPLFPPAGN[Ser1735Ala]VCHNHHNHNS